The following is an entry in ClinVar:

NM_005898.5(CAPRIN1):c.2065+3A>T

Gene: CAPRIN1 (cell cycle associated protein 1; plus strand). Cytogenetic location: 11p13.
Variant type: single nucleotide variant.
Coding change: c.2065+3A>T on transcript NM_005898.5 (MANE Select); 3 bases into the intron after coding-DNA position 2065, A replaced by T.
Molecular consequence: intron variant. On other transcripts: missense variant (1).
Genome position (GRCh38, 1-based): chr11:34,097,764, A>T. VCF-style: chr11-34097764-A-T. GRCh37 (hg19) VCF-style: chr11-34119311-A-T.
Other names: NC_000011.9:g.34119311A>T; c.2068A>T, p.Asn690Tyr (NM_203364.3); short protein forms N690Y.
Identifiers: ClinVar variation 4371028 (VCV004371028.2).
Genomic context (GRCh38, chr11:34,097,764, plus strand): 5'-TATCAGCAGAATTTCAAGCGAGGCTCTGGGCAGAGTGGACCACGGGGAGCCCCACGAGGT[A>T]ATATTTTGTGGTGGTGATCCTAGCTCCTAAGTGGAGCTTCTGTTCTGGCCTTGGAAGAGC-3'

ClinVar aggregate classification (germline): Uncertain significance (1 of 4 stars; one submission).

Submissions (4):

GeneDx
Classification: Uncertain significance. Last evaluated: 2026-04-24. Review status: criteria provided, single submitter. Criteria: GeneDx Variant Classification Process June 2021. Collection method: clinical testing. Allele origin: germline.
Comment: Not observed at significant frequency in large population cohorts (gnomAD); In silico analysis supports a deleterious effect on splicing; Has not been previously published as pathogenic or benign to our knowledge

Dr. Peter K. Rogan Lab, Western University
No classification provided (evidence only). Condition: Ovarian serous cystadenocarcinoma. Review status: no classification provided. Collection method: in vitro. Allele origin: not applicable. Functional consequence: retained intron. Not counted in ClinVar's aggregate classification.

Dr. Peter K. Rogan Lab, Western University
No classification provided (evidence only). Condition: Ovarian serous cystadenocarcinoma. Review status: no classification provided. Collection method: in vitro. Allele origin: not applicable. Functional consequence: retained intron. Not counted in ClinVar's aggregate classification.

Dr. Peter K. Rogan Lab, Western University
No classification provided (evidence only). Condition: Ovarian serous cystadenocarcinoma. Review status: no classification provided. Collection method: in vitro. Allele origin: not applicable. Functional consequence: retained intron. Not counted in ClinVar's aggregate classification.